The following is an entry in ClinVar:

ClinVar aggregate classification (germline): Benign (1 of 4 stars; one submission).

Allele frequency attached by ClinVar (database versions not stated): gnomAD 0.28826; TOPMed 0.30524; 1000 Genomes Project 0.36761; 1000 Genomes Project 30x 0.36868.
gnomAD v4.1: 44,784 of 151,938 alleles (29%); highest among the groups gnomAD compares: African/African-American, 42%; 7,273 homozygotes.

Submission:

GeneDx
Classification: Benign. Last evaluated: 2018-06-14. Review status: criteria provided, single submitter. Criteria: GeneDx Variant Classification (06012015). Collection method: clinical testing. Allele origin: germline. Affected: yes.
Comment: This variant is considered likely benign or benign based on one or more of the following criteria: it is a conservative change, it occurs at a poorly conserved position in the protein, it is predicted to be benign by multiple in silico algorithms, and/or has population frequency not consistent with disease.

NM_001080449.3(DNA2):c.258-186A>G

Gene: DNA2 (DNA replication helicase/nuclease 2; minus strand). Cytogenetic location: 10q21.3.
Variant type: single nucleotide variant.
Coding change: c.258-186A>G on transcript NM_001080449.3 (MANE Select); 186 bases into the intron before coding-DNA position 258, A replaced by G.
Molecular consequence: intron variant.
Genome position (GRCh38, 1-based): chr10:68,468,492, T>C on the plus strand (A>G on the coding strand, the complement: DNA2 is on the minus strand). VCF-style: chr10-68468492-T-C. GRCh37 (hg19) VCF-style: chr10-70228249-T-C.
Identifiers: ClinVar variation 669881 (VCV000669881.1), dbSNP rs10998206, ClinGen allele CA15634482.